The following is an entry in ClinVar:

NM_018418.5(SPATA7):c.745G>A (p.Ala249Thr)

Gene: SPATA7 (spermatogenesis associated 7; plus strand). Cytogenetic location: 14q31.3.
Variant type: single nucleotide variant.
Coding change: c.745G>A on transcript NM_018418.5 (MANE Select); coding-DNA position 745, G replaced by A.
Protein change: p.Ala249Thr; replaces alanine 249 with threonine.
Molecular consequence: missense variant.
Genome position (GRCh38, 1-based): chr14:88,426,604, G>A. VCF-style: chr14-88426604-G-A. GRCh37 (hg19) VCF-style: chr14-88892948-G-A.
Other names: c.649G>A, p.Ala217Thr (NM_001040428.4); short protein forms A249T, A217T.
Identifiers: ClinVar variation 1381978 (VCV001381978.8), dbSNP rs946409225, ClinGen allele CA264534687.

ClinVar aggregate classification (germline): Uncertain significance (1 of 4 stars; one submission).

Conditions:
Leber congenital amaurosis 3 (LCA3). Also called: SPATA7-Related Retinitis Pigmentosa. Identifiers: MedGen C1858677, MONDO:0011415, OMIM 604232.

Allele frequency attached by ClinVar (database versions not stated): TOPMed below 0.00001; gnomAD 0.00001.
gnomAD v4.1: 1 of 1,613,818 alleles (0.000062%); highest among the groups gnomAD compares: African/African-American, 0.0013%; no homozygotes.

Submission:

Labcorp Genetics (formerly Invitae), Labcorp
Classification: Uncertain significance for Leber congenital amaurosis 3. Last evaluated: 2023-07-10. Review status: criteria provided, single submitter. Criteria: Invitae Variant Classification Sherloc (09022015). Collection method: clinical testing. Allele origin: germline.
Comment: In summary, the available evidence is currently insufficient to determine the role of this variant in disease. Therefore, it has been classified as a Variant of Uncertain Significance. Advanced modeling of protein sequence and biophysical properties (such as structural, functional, and spatial information, amino acid conservation, physicochemical variation, residue mobility, and thermodynamic stability) performed at Invitae indicates that this missense variant is expected to disrupt SPATA7 protein function. ClinVar contains an entry for this variant (Variation ID: 1381978). This variant has not been reported in the literature in individuals affected with SPATA7-related conditions. This variant is not present in population databases (gnomAD no frequency). This sequence change replaces alanine, which is neutral and non-polar, with threonine, which is neutral and polar, at codon 249 of the SPATA7 protein (p.Ala249Thr).